The following is an entry in ClinVar:

ClinVar aggregate classification (germline): Uncertain significance (1 of 4 stars; one submission).

Conditions:
Familial thoracic aortic aneurysm and aortic dissection (TAAD). Also called: Thoracic aortic aneurysms and dissections. Identifiers: Orphanet 91387, MedGen C4707243, MONDO:0019625.

Submission:

Ambry Genetics
Classification: Uncertain significance for Familial thoracic aortic aneurysm and aortic dissection. Last evaluated: 2025-12-20. Review status: criteria provided, single submitter. Criteria: Ambry Variant Classification Scheme 2023. Collection method: clinical testing. Allele origin: germline.
Comment: The c.3303C>G (p.C1101W) alteration is located in coding exon 23 of the MED12 gene. This alteration results from a C to G substitution at nucleotide position 3303, causing the cysteine (C) at amino acid position 1101 to be replaced by a tryptophan (W). This variant was not reported in population-based cohorts in the Genome Aggregation Database (gnomAD). This amino acid position is highly conserved in available vertebrate species. The in silico prediction for this alteration is inconclusive. Based on insufficient or conflicting evidence, the clinical significance of this alteration remains unclear.

NM_005120.3(MED12):c.3303C>G (p.Cys1101Trp)

Gene: MED12 (mediator complex subunit 12; plus strand). Cytogenetic location: Xq13.1.
Variant type: single nucleotide variant.
Coding change: c.3303C>G on transcript NM_005120.3 (MANE Select); coding-DNA position 3303, C replaced by G.
Protein change: p.Cys1101Trp; replaces cysteine 1101 with tryptophan.
Molecular consequence: missense variant.
Genome position (GRCh38, 1-based): chrX:71,128,389, C>G. VCF-style: chrX-71128389-C-G. GRCh37 (hg19) VCF-style: chrX-70348239-C-G.
Other names: short protein forms C1101W.
Identifiers: ClinVar variation 521798 (VCV000521798.5), dbSNP rs1556336534, ClinGen allele CA413518323.